The following is an entry in ClinVar:

ClinVar aggregate classification (germline): Pathogenic (1 of 4 stars; one submission).

Submission:

Quest Diagnostics Nichols Institute San Juan Capistrano
Classification: Pathogenic. Last evaluated: 2024-08-01. Review status: criteria provided, single submitter. Criteria: ACMG/ClinGen CNV Guidelines, 2019. Collection method: clinical testing. Allele origin: unknown.
Comment: This 7q11.21q11.23 gain (triplication) involves at least 52 protein-coding genes and overlaps the region associated with the recurrent 7q11.23 microduplication syndrome (OMIM 609757, Mervis 2021). While triplications of 7q11.23 are rare, there is one individual reported to have a triplication of the 7q11.23 region (Beunders 2010). Additionally, one family was found to have a triplication that partially involved ELN (OMIM 130160) and LIMK1 (OMIM 601329) (Guemann 2015). There are no similar copy number gains of this region in the general populations of the Database of Genomic Variants. Thus, based on current medical literature, this copy number variant (CNV) is classified as pathogenic. References: Beunders et al., J Med Genet. 2010 Apr;47(4):271-5. PMID: 19752158 Guemann et al., Cardiol Young. 2015 Apr;25(4):712-7. PMID: 24932728 Mervis et al. GeneReviews [Mar 25 2021]. PMID:26610320

GRCh37/hg19 7q11.21-11.23(chr7:65130644-74629034)x4

Genes: ABHD11 (abhydrolase domain containing 11; minus strand), ABHD11-AS1 (ABHD11 antisense RNA 1 (tail to tail); plus strand), ASL (argininosuccinate lyase; plus strand), AUTS2 (activator of transcription and developmental regulator AUTS2; plus strand), BAZ1B (bromodomain adjacent to zinc finger domain 1B; minus strand) and 42 more. Cytogenetic location: 7q11.21-11.23.
Variant type: copy number gain.
Change: copy number 4 of chr7:65,130,644-74,629,034 (9.50 Mb, GRCh37 coordinates, 1-based), cytogenetic band 7q11.21-11.23.
Identifiers: ClinVar variation 4682697 (VCV004682697.1).